The following is an entry in ClinVar:

NM_033225.6(CSMD1):c.3534T>G (p.Leu1178=)

Gene: CSMD1 (CUB and Sushi multiple domains 1; minus strand). Cytogenetic location: 8p23.2.
Variant type: single nucleotide variant.
Coding change: c.3534T>G on transcript NM_033225.6 (MANE Select); coding-DNA position 3534, T replaced by G.
Protein change: p.Leu1178=; no amino-acid change (leucine 1178 retained).
Molecular consequence: synonymous variant.
Genome position (GRCh38, 1-based): chr8:3,343,391, A>C on the plus strand (T>G on the coding strand, the complement: CSMD1 is on the minus strand). VCF-style: chr8-3343391-A-C. GRCh37 (hg19) VCF-style: chr8-3200913-A-C.
Identifiers: ClinVar variation 719324 (VCV000719324.29), dbSNP rs147764737, ClinGen allele CA4607819.

ClinVar aggregate classification (germline): Benign. Review status: criteria provided, multiple submitters, no conflicts (2 of 4 stars). 3 submissions from 3 submitters: Benign (3). Last evaluated 2025-03-01.

Allele frequency attached by ClinVar (database versions not stated): 1000 Genomes Project 0.00140; 1000 Genomes Project 30x 0.00156; TOPMed 0.00387; gnomAD exomes 0.00442 and 0.00526; gnomAD 0.00478 and 0.00496; ESP Exome Variant Server 0.00512; ExAC 0.00547.
gnomAD v4.1: 8,368 of 1,613,716 alleles (0.52%); highest among the groups gnomAD compares: Non-Finnish European, 0.62%; 42 homozygotes.

Submissions (3):

CeGaT Center for Human Genetics Tuebingen
Classification: Benign. Last evaluated: 2025-03-01. Review status: criteria provided, single submitter. Criteria: CeGaT Center For Human Genetics Tuebingen Variant Classification Criteria Version 2. Collection method: clinical testing. Allele origin: germline. Affected: yes. Observed: 5 variant alleles.
Comment: CSMD1: BP4, BP7, BS1, BS2

Labcorp Genetics (formerly Invitae), Labcorp
Classification: Benign. Last evaluated: 2019-12-31. Review status: criteria provided, single submitter. Criteria: Invitae Variant Classification Sherloc (09022015). Collection method: clinical testing. Allele origin: germline.

Breakthrough Genomics
Classification: Benign. Review status: criteria provided, single submitter. Criteria: ACMG Guidelines, 2015. Collection method: not provided. Allele origin: germline. Inheritance: Unknown mechanism. Affected: yes.